The following is an entry in ClinVar:

ClinVar aggregate classification (germline): Uncertain significance (1 of 4 stars; one submission).

Conditions:
Epilepsy, familial focal, with variable foci 1 (FFEVF1). Also called: DEPDC5-Related Epilepsy. Identifiers: MedGen C4551983, MONDO:0024556, OMIM 604364.

Allele frequency attached by ClinVar (database versions not stated): gnomAD exomes below 0.00001.
gnomAD v4.1: 1 of 1,612,652 alleles (0.000062%); highest among the groups gnomAD compares: Non-Finnish European, 0.000085%; no homozygotes.

Submission:

Centre for Mendelian Genomics, University Medical Centre Ljubljana
Classification: Uncertain significance for Epilepsy, familial focal, with variable foci 1. Last evaluated: 2019-04-10. Review status: criteria provided, single submitter. Criteria: ACMG Guidelines, 2015. Collection method: clinical testing. Allele origin: unknown. Affected: yes.
Comment: This variant was classified as: Uncertain significance. The available evidence favors the pathogenic nature of this variant, however the currently available data is insufficient to conclusively support its pathogenic nature. Thus this variant is classified as Uncertain significance - favor pathogenic. The following ACMG criteria were applied in classifying this variant: PM2.

NM_001242896.3(DEPDC5):c.2633+3G>A

Gene: DEPDC5 (DEP domain containing 5, GATOR1 subcomplex subunit; plus strand). Cytogenetic location: 22q12.3.
Variant type: single nucleotide variant.
Coding change: c.2633+3G>A on transcript NM_001242896.3 (MANE Select); 3 bases into the intron after coding-DNA position 2633, G replaced by A.
Molecular consequence: intron variant.
Genome position (GRCh38, 1-based): chr22:31,843,215, G>A. VCF-style: chr22-31843215-G-A. GRCh37 (hg19) VCF-style: chr22-32239201-G-A.
Other names: c.2633+3G>A (NM_001364318.2, NM_001363852.2, NM_001364320.2); c.2606+3G>A (NM_001136029.4, NM_014662.6, NM_001369903.1); c.2399+3G>A (NM_001363854.2, NM_001242897.2, NM_001364319.2); c.2549+3G>A (NM_001369902.1, NM_001369901.1).
Identifiers: ClinVar variation 931115 (VCV000931115.3), dbSNP rs2091504417, ClinGen allele CA1139667073.